The following is an entry in ClinVar:

ClinVar aggregate classification (germline): Uncertain significance (1 of 4 stars; one submission).

Conditions:
Pitt-Hopkins-like syndrome 2 (PTHSL2). Identifiers: Orphanet 221150, Orphanet 600663, MedGen C3280479, MONDO:0013690, OMIM 614325.

Submission:

Labcorp Genetics (formerly Invitae), Labcorp
Classification: Uncertain significance for Pitt-Hopkins-like syndrome 2. Last evaluated: 2025-09-05. Review status: criteria provided, single submitter. Criteria: Invitae Variant Classification Sherloc (09022015). Collection method: clinical testing. Allele origin: germline.
Comment: This sequence change replaces methionine, which is neutral and non-polar, with arginine, which is basic and polar, at codon 475 of the NRXN1 protein (p.Met475Arg). This variant is not present in population databases (gnomAD no frequency). This variant has not been reported in the literature in individuals affected with NRXN1-related conditions. An algorithm developed to predict the effect of missense changes on protein structure and function (PolyPhen-2) suggests that this variant is likely to be disruptive. In summary, the available evidence is currently insufficient to determine the role of this variant in disease. Therefore, it has been classified as a Variant of Uncertain Significance.

NM_001330078.2(NRXN1):c.1304T>G (p.Met435Arg)

Gene: NRXN1 (neurexin 1; minus strand). Cytogenetic location: 2p16.3.
Variant type: single nucleotide variant.
Coding change: c.1304T>G on transcript NM_001330078.2 (MANE Select); coding-DNA position 1304, T replaced by G.
Protein change: p.Met435Arg; replaces methionine 435 with arginine.
Molecular consequence: missense variant.
Genome position (GRCh38, 1-based): chr2:50,620,038, A>C on the plus strand (T>G on the coding strand, the complement: NRXN1 is on the minus strand). VCF-style: chr2-50620038-A-C. GRCh37 (hg19) VCF-style: chr2-50847176-A-C.
Other names: c.1304T>G, p.Met435Arg (NM_004801.6, NM_001330085.2, NM_001330086.2); c.1424T>G, p.Met475Arg (NM_001135659.3); c.1280T>G, p.Met427Arg (NM_001330077.2, NM_001330082.2, NM_001330095.2); c.1265T>G, p.Met422Arg (NM_001330083.2, NM_001330084.2); c.1220T>G, p.Met407Arg (NM_001330087.2, NM_001330096.2); c.1250T>G, p.Met417Arg (NM_001330088.2); c.1301T>G, p.Met434Arg (NM_001330093.2); c.1292T>G, p.Met431Arg (NM_001330094.2); short protein forms M434R, M435R, M475R, M407R, M422R, M417R, M427R, M431R.
Identifiers: ClinVar variation 4726300 (VCV004726300.1).